The following is an entry in ClinVar:

NM_002691.4(POLD1):c.-5G>A

Gene: POLD1 (DNA polymerase delta 1, catalytic subunit; plus strand). Cytogenetic location: 19q13.33.
Variant type: single nucleotide variant.
Coding change: c.-5G>A on transcript NM_002691.4 (MANE Select); 5 bases upstream of the start codon, G replaced by A.
Molecular consequence: 5 prime UTR variant. On other transcripts: non-coding transcript variant (1).
Genome position (GRCh38, 1-based): chr19:50,384,387, G>A. VCF-style: chr19-50384387-G-A. GRCh37 (hg19) VCF-style: chr19-50887644-G-A.
Other names: c.-8G>A (NM_001256849.1, NM_001438210.1); c.-5G>A (NM_001438211.1); c.-150G>A (NM_001438212.1); c.-131G>A (NM_001438213.1).
Identifiers: ClinVar variation 4140971 (VCV004140971.1).

ClinVar aggregate classification (germline): Uncertain significance (1 of 4 stars; one submission).

Conditions:
Hereditary cancer-predisposing syndrome. Also called: Hereditary neoplastic syndrome; Neoplastic Syndromes, Hereditary; Tumor predisposition; Hereditary Cancer Syndrome. Identifiers: Orphanet 140162, MedGen C0027672, MeSH D009386, MONDO:0015356.

Submission:

Ambry Genetics
Classification: Uncertain significance for Hereditary cancer-predisposing syndrome. Last evaluated: 2025-07-24. Review status: criteria provided, single submitter. Criteria: Ambry Variant Classification Scheme 2023. Collection method: clinical testing. Allele origin: germline.
Comment: The c.-5G>A variant is located in the 5' untranslated region (5&rsquo; UTR) of the POLD1 gene. This variant results from a G to A substitution 5 bases upstream from the first translated codon. This nucleotide position is well conserved in available vertebrate species. In silico splice site analysis predicts that this alteration will not have any significant effect on splicing. Based on the available evidence, the clinical significance of this variant remains unclear.